The following is an entry in ClinVar:

ClinVar aggregate classification (germline): Uncertain significance (1 of 4 stars; one submission).

Conditions:
Hereditary sensory and autonomic neuropathy type 1 (HSAN1). Also called: HSAN 1; HSN Type I; Hereditary Sensory Neuropathy Type I. Identifiers: Orphanet 36386, MedGen C0020071, MONDO:0018213.

Submission:

Labcorp Genetics (formerly Invitae), Labcorp
Classification: Uncertain significance for Hereditary sensory and autonomic neuropathy type 1. Last evaluated: 2025-11-25. Review status: criteria provided, single submitter. Criteria: Invitae Variant Classification Sherloc (09022015). Collection method: clinical testing. Allele origin: germline.
Comment: This sequence change replaces leucine, which is neutral and non-polar, with valine, which is neutral and non-polar, at codon 69 of the SPTLC1 protein (p.Leu69Val). This variant is present in population databases (no rsID available, gnomAD 0.0009%). This variant has not been reported in the literature in individuals affected with SPTLC1-related conditions. ClinVar contains an entry for this variant (Variation ID: 2905633). Invitae Evidence Modeling of protein sequence and biophysical properties (such as structural, functional, and spatial information, amino acid conservation, physicochemical variation, residue mobility, and thermodynamic stability) has been performed for this missense variant. However, the output from this modeling did not meet the statistical confidence thresholds required to predict the impact of this variant on SPTLC1 protein function. In summary, the available evidence is currently insufficient to determine the role of this variant in disease. Therefore, it has been classified as a Variant of Uncertain Significance.

NM_006415.4(SPTLC1):c.205C>G (p.Leu69Val)

Gene: SPTLC1 (serine palmitoyltransferase long chain base subunit 1; minus strand). Cytogenetic location: 9q22.31.
Variant type: single nucleotide variant.
Coding change: c.205C>G on transcript NM_006415.4 (MANE Select); coding-DNA position 205, C replaced by G.
Protein change: p.Leu69Val; replaces leucine 69 with valine.
Molecular consequence: missense variant. On other transcripts: 5 prime UTR variant (2).
Genome position (GRCh38, 1-based): chr9:92,108,795, G>C on the plus strand (C>G on the coding strand, the complement: SPTLC1 is on the minus strand). VCF-style: chr9-92108795-G-C. GRCh37 (hg19) VCF-style: chr9-94871077-G-C.
Other names: c.205C>G, p.Leu69Val (NM_001281303.2, NM_178324.3); c.-295C>G (NM_001368272.1); c.-261C>G (NM_001368273.1); short protein forms L69V.
Identifiers: ClinVar variation 2905633 (VCV002905633.3), dbSNP rs1256194959, ClinGen allele CA373794570.
Genomic context (GRCh38, chr9:92,108,795, plus strand): 5'-TTTACCCTGAAACGATGTTGTAGTTGAGAGCAGGATGGTCTTTTGGGACAGGAGGAACAA[G>C]AGGTTCTGGTTGCCACTCTTCAATCAGTTCTTCTTTTTCCTACAGGAGAAAAAGAATTAA-3'
Protein context (NP_006406.1, residues 59-79): ELIEEWQPEP[Leu69Val]VPPVPKDHPA